The following is an entry in ClinVar:

ClinVar aggregate classification (germline): Pathogenic (1 of 4 stars; one submission).

Conditions:
Primary ciliary dyskinesia. Also called: Ciliary dyskinesia. Identifiers: Orphanet 244, MedGen C0008780, MONDO:0016575, HP:0012265.

Submission:

Labcorp Genetics (formerly Invitae), Labcorp
Classification: Pathogenic for Primary ciliary dyskinesia. Last evaluated: 2024-04-30. Review status: criteria provided, single submitter. Criteria: Invitae Variant Classification Sherloc (09022015). Collection method: clinical testing. Allele origin: germline.
Comment: This sequence change creates a premature translational stop signal (p.Glu828Glyfs*2) in the RPGR (ORF15) gene. While this is not anticipated to result in nonsense mediated decay, it is expected to disrupt the last 325 amino acid(s) of the RPGR (ORF15) protein. This variant is not present in population databases (gnomAD no frequency). This premature translational stop signal has been observed in individual(s) with retinitis pigmentosa (PMID: 21857984, 31953110). This variant disrupts a region of the RPGR (ORF15) protein in which other variant(s) (p.Leu1130Lysfs*13) have been determined to be pathogenic (PMID: 22264887). This suggests that this is a clinically significant region of the protein, and that variants that disrupt it are likely to be disease-causing. For these reasons, this variant has been classified as Pathogenic.

Literature cited by the submitters: PubMed 21857984; PubMed 31953110; PubMed 22264887.

NM_001034853.2(RPGR):c.2483_2496del (p.Glu828fs)

Gene: RPGR (retinitis pigmentosa GTPase regulator; minus strand). Cytogenetic location: Xp11.4.
Variant type: Deletion.
Coding change: c.2483_2496del on transcript NM_001034853.2 (MANE Select); coding-DNA positions 2483 to 2496, 14 bases deleted (AGGAAGAGGAGGAG).
Protein change: p.Glu828fs; shifts the reading frame from glutamic acid 828.
Molecular consequence: frameshift variant. On other transcripts: intron variant (8).
Genome position (GRCh38, 1-based): chrX:38,286,503-38,286,516, CTCCTCCTCTTCCT deleted on the plus strand (AGGAAGAGGAGGAG on the coding strand, the reverse complement: RPGR is on the minus strand); deleting any 14 consecutive bases within chrX:38,286,503-38,286,518 gives the same sequence; the c. name uses the placement nearest the transcript's 3' end. VCF-style (leftmost placement, unchanged base first): chrX-38286502-CCTCCTCCTCTTCCT-C. GRCh37 (hg19) VCF-style: chrX-38145755-CCTCCTCCTCTTCCT-C.
Other names: c.1569+4443_1569+4456del (NM_001367249.1, NM_001367250.1); c.1902+578_1902+591del (NM_001367245.1); c.1386+4443_1386+4456del (NM_001367251.1); c.1719+578_1719+591del (NM_001367246.1); c.1572+4443_1572+4456del (NM_001367247.1); c.1905+578_1905+591del (NM_000328.3); c.1602+4443_1602+4456del (NM_001367248.1); short protein forms E828fs.
Identifiers: ClinVar variation 3724217 (VCV003724217.2).